The following is an entry in ClinVar:

ClinVar aggregate classification (germline): Benign/Likely benign. Review status: criteria provided, multiple submitters, no conflicts (2 of 4 stars). 6 submissions from 6 submitters: Benign (2); Likely benign (3). 1 of the submissions does not count toward it. Last evaluated 2025-12-17.

Conditions:
Inborn genetic diseases. Identifiers: MedGen C0950123, MeSH D030342.
KIF11-related disorder. Also called: KIF11-related condition.

Allele frequency attached by ClinVar (database versions not stated): ESP Exome Variant Server 0.00023; TOPMed 0.00032; gnomAD 0.00036 and 0.00038; ExAC 0.00041; gnomAD exomes 0.00052.
gnomAD v4.1: 446 of 1,590,510 alleles (0.028%); highest among the groups gnomAD compares: Non-Finnish European, 0.0053%; 3 homozygotes.

Submissions (6):

Labcorp Genetics (formerly Invitae), Labcorp
Classification: Benign. Last evaluated: 2025-12-17. Review status: criteria provided, single submitter. Criteria: Invitae Variant Classification Sherloc (09022015). Collection method: clinical testing. Allele origin: germline.

Blueprint Genetics
Classification: Likely benign. Last evaluated: 2024-06-11. Review status: criteria provided, single submitter. Criteria: ACMG Guidelines, 2015. Collection method: clinical testing. Allele origin: germline.

Ambry Genetics
Classification: Likely benign for Inborn genetic diseases. Last evaluated: 2023-02-23. Review status: criteria provided, single submitter. Criteria: Ambry Variant Classification Scheme 2023. Collection method: clinical testing. Allele origin: germline.

CeGaT Center for Human Genetics Tuebingen
Classification: Likely benign. Last evaluated: 2022-11-01. Review status: criteria provided, single submitter. Criteria: CeGaT Center For Human Genetics Tuebingen Variant Classification Criteria Version 2. Collection method: clinical testing. Allele origin: germline. Affected: yes. Observed: 1 variant allele.
Comment: KIF11: BP4, BS1

Breakthrough Genomics
Classification: Benign. Review status: criteria provided, single submitter. Criteria: ACMG Guidelines, 2015. Collection method: not provided. Allele origin: germline. Inheritance: Autosomal dominant inheritance. Affected: yes.

PreventionGenetics, part of Exact Sciences
Classification: Benign for KIF11-related condition. Last evaluated: 2019-06-03. Review status: no assertion criteria provided. Collection method: clinical testing. Allele origin: germline. Not counted in ClinVar's aggregate classification.
Comment: This variant is classified as benign based on ACMG/AMP sequence variant interpretation guidelines (Richards et al. 2015 PMID: 25741868, with internal and published modifications).

NM_004523.4(KIF11):c.1952A>G (p.Asn651Ser)

Gene: KIF11 (kinesin family member 11; plus strand). Cytogenetic location: 10q23.33.
Variant type: single nucleotide variant.
Coding change: c.1952A>G on transcript NM_004523.4 (MANE Select); coding-DNA position 1952, A replaced by G.
Protein change: p.Asn651Ser; replaces asparagine 651 with serine.
Molecular consequence: missense variant.
Genome position (GRCh38, 1-based): chr10:92,637,260, A>G. VCF-style: chr10-92637260-A-G. GRCh37 (hg19) VCF-style: chr10-94397017-A-G.
Other names: c.1952A>G (NM_004523.3); short protein forms N651S.
Identifiers: ClinVar variation 1165303 (VCV001165303.37), dbSNP rs145689385, ClinGen allele CA5604290.
Genomic context (GRCh38, chr10:92,637,260, plus strand): 5'-ATCTTCTAAGTTCACTGGAAATGATTTTATCCCCAACTGTGGTGTCTATACTGAAAATCA[A>G]TAGTCAACTAAAGCATATTTTCAAGACTTCATTGACAGTGGCCGATAAGGTAACAAATGC-3'
Protein context (NP_004514.2, residues 641-661): SPTVVSILKI[Asn651Ser]SQLKHIFKTS